The following is an entry in ClinVar:

ClinVar aggregate classification (germline): Conflicting classifications of pathogenicity. Review status: criteria provided, conflicting classifications (1 of 4 stars). 4 submissions from 4 submitters: Uncertain significance (2); Likely benign (2). Last evaluated 2026-01-25.

Conditions:
Hereditary cancer-predisposing syndrome. Also called: Neoplastic Syndromes, Hereditary; Hereditary Cancer Syndrome; Tumor predisposition; Hereditary neoplastic syndrome. Identifiers: Orphanet 140162, MedGen C0027672, MeSH D009386, MONDO:0015356.
Endometrial carcinoma. Also called: Endometrial carcinoma, somatic. Identifiers: MedGen C0476089, MONDO:0002447, OMIM 608089, HP:0012114.
Familial adenomatous polyposis 4 (FAP4). Also called: MSH3-related attenuated familial adenomatous polyposis. Identifiers: Orphanet 480536, MedGen C4310719, MONDO:0044300, OMIM 617100.

Allele frequency attached by ClinVar (database versions not stated): gnomAD exomes 0.00001 and 0.00004; ExAC 0.00002; gnomAD 0.00002 and 0.00004; TOPMed 0.00002; ESP Exome Variant Server 0.00008.
gnomAD v4.1: 28 of 1,614,082 alleles (0.0017%); highest among the groups gnomAD compares: Middle Eastern, 0.016%; no homozygotes.

Submissions (4):

Labcorp Genetics (formerly Invitae), Labcorp
Classification: Uncertain significance. Last evaluated: 2026-01-25. Review status: criteria provided, single submitter. Criteria: Invitae Variant Classification Sherloc (09022015). Collection method: clinical testing. Allele origin: germline.
Comment: This sequence change replaces isoleucine, which is neutral and non-polar, with methionine, which is neutral and non-polar, at codon 237 of the MSH3 protein (p.Ile237Met). This variant is present in population databases (rs375321647, gnomAD 0.008%). This variant has not been reported in the literature in individuals affected with MSH3-related conditions. ClinVar contains an entry for this variant (Variation ID: 660380). An algorithm developed to predict the effect of missense changes on protein structure and function outputs the following: PolyPhen-2: "Benign". The methionine amino acid residue is found in multiple mammalian species, which suggests that this missense change does not adversely affect protein function. In summary, the available evidence is currently insufficient to determine the role of this variant in disease. Therefore, it has been classified as a Variant of Uncertain Significance.

Ambry Genetics
Classification: Likely benign for Hereditary cancer-predisposing syndrome. Last evaluated: 2025-07-11. Review status: criteria provided, single submitter. Criteria: Ambry Variant Classification Scheme 2023. Collection method: clinical testing. Allele origin: germline.

Blueprint Genetics
Classification: Likely benign. Last evaluated: 2024-10-07. Review status: criteria provided, single submitter. Criteria: ACMG Guidelines, 2015. Collection method: clinical testing. Allele origin: germline.

Department of Pathology and Laboratory Medicine, Sinai Health System
Classification: Uncertain significance for Endometrial carcinoma; Familial adenomatous polyposis 4. Last evaluated: 2021-11-12. Review status: criteria provided, single submitter. Criteria: ACMG Guidelines, 2015. Collection method: clinical testing. Allele origin: germline. Affected: no.

NM_002439.5(MSH3):c.711A>G (p.Ile237Met)

Gene: MSH3 (mutS homolog 3; plus strand). Cytogenetic location: 5q14.1.
Variant type: single nucleotide variant.
Coding change: c.711A>G on transcript NM_002439.5 (MANE Select); coding-DNA position 711, A replaced by G.
Protein change: p.Ile237Met; replaces isoleucine 237 with methionine.
Molecular consequence: missense variant.
Genome position (GRCh38, 1-based): chr5:80,670,228, A>G. VCF-style: chr5-80670228-A-G. GRCh37 (hg19) VCF-style: chr5-79966047-A-G.
Other names: short protein forms I237M.
Identifiers: ClinVar variation 660380 (VCV000660380.16), dbSNP rs375321647, ClinGen allele CA3327686.